The following is an entry in ClinVar:

NM_144596.4(TTC8):c.380C>T (p.Thr127Met)

Gene: TTC8 (tetratricopeptide repeat domain 8; plus strand). Cytogenetic location: 14q31.3.
Variant type: single nucleotide variant.
Coding change: c.380C>T on transcript NM_144596.4 (MANE Select); coding-DNA position 380, C replaced by T.
Protein change: p.Thr127Met; replaces threonine 127 with methionine.
Molecular consequence: missense variant. On other transcripts: 5 prime UTR variant (2), non-coding transcript variant (1).
Genome position (GRCh38, 1-based): chr14:88,841,087, C>T. VCF-style: chr14-88841087-C-T. GRCh37 (hg19) VCF-style: chr14-89307431-C-T.
Other names: c.380C>T (NM_144596.3); c.350C>T, p.Thr117Met (NM_001288781.1, NM_001366535.2, NM_001366536.2 and 2 more transcripts); c.-213C>T (NM_001288782.1); c.-308C>T (NM_001288783.1); short protein forms T127M, T117M.
Identifiers: ClinVar variation 1523817 (VCV001523817.8), dbSNP rs369803125, ClinGen allele CA7302456.
Genomic context (GRCh38, chr14:88,841,087, plus strand): 5'-ATCTTCACAGGCCAATCACACAAGCTGGAAGACCCATTACAGGTTTCCTCAGGCCCAGCA[C>T]GCAGAGTGGAAGGCCAGGCACTATGGAACAGGCTATCAGAACACCCAGAACCGCCTACAC-3'
Protein context (NP_653197.2, residues 117-137): RPITGFLRPS[Thr127Met]QSGRPGTMEQ

ClinVar aggregate classification (germline): Uncertain significance. Review status: criteria provided, multiple submitters, no conflicts (2 of 4 stars). 3 submissions from 3 submitters: Uncertain significance (2). 1 of the submissions does not count toward it. Last evaluated 2023-06-19.

Conditions:
Bardet-Biedl syndrome (BBS). Identifiers: Orphanet 110, MedGen C0752166, MONDO:0015229.
TTC8-related disorder. Also called: TTC8-related condition.

Allele frequency attached by ClinVar (database versions not stated): TOPMed 0.00003; ESP Exome Variant Server 0.00008.
gnomAD v4.1: 23 of 1,613,988 alleles (0.0014%); highest among the groups gnomAD compares: African/African-American, 0.0053%; no homozygotes.

Submissions (3):

Blueprint Genetics
Classification: Uncertain significance. Last evaluated: 2023-06-19. Review status: criteria provided, single submitter. Criteria: ACMG Guidelines, 2015. Collection method: clinical testing. Allele origin: germline.

Labcorp Genetics (formerly Invitae), Labcorp
Classification: Uncertain significance for Bardet-Biedl syndrome. Last evaluated: 2022-11-08. Review status: criteria provided, single submitter. Criteria: Invitae Variant Classification Sherloc (09022015). Collection method: clinical testing. Allele origin: germline.
Comment: In summary, the available evidence is currently insufficient to determine the role of this variant in disease. Therefore, it has been classified as a Variant of Uncertain Significance. Advanced modeling of protein sequence and biophysical properties (such as structural, functional, and spatial information, amino acid conservation, physicochemical variation, residue mobility, and thermodynamic stability) has been performed at Invitae for this missense variant, however the output from this modeling did not meet the statistical confidence thresholds required to predict the impact of this variant on TTC8 protein function. ClinVar contains an entry for this variant (Variation ID: 1523817). This variant has not been reported in the literature in individuals affected with TTC8-related conditions. This variant is present in population databases (rs369803125, gnomAD 0.01%). This sequence change replaces threonine, which is neutral and polar, with methionine, which is neutral and non-polar, at codon 117 of the TTC8 protein (p.Thr117Met).

PreventionGenetics, part of Exact Sciences
Classification: Uncertain significance for TTC8-related condition. Last evaluated: 2024-01-03. Review status: no assertion criteria provided. Collection method: clinical testing. Allele origin: germline. Not counted in ClinVar's aggregate classification.
Comment: The TTC8 c.380C>T variant is predicted to result in the amino acid substitution p.Thr127Met. To our knowledge, this variant has not been reported in the literature. This variant is reported in 0.016% of alleles in individuals of African descent in gnomAD. At this time, the clinical significance of this variant is uncertain due to the absence of conclusive functional and genetic evidence.